The following is an entry in ClinVar:

NM_001244008.2(KIF1A):c.37C>T (p.Arg13Cys)

Gene: KIF1A (kinesin family member 1A; minus strand). Cytogenetic location: 2q37.3.
Variant type: single nucleotide variant.
Coding change: c.37C>T on transcript NM_001244008.2 (MANE Select); coding-DNA position 37, C replaced by T.
Protein change: p.Arg13Cys; replaces arginine 13 with cysteine.
Molecular consequence: missense variant.
Genome position (GRCh38, 1-based): chr2:240,797,716, G>A on the plus strand (C>T on the coding strand, the complement: KIF1A is on the minus strand). VCF-style: chr2-240797716-G-A. GRCh37 (hg19) VCF-style: chr2-241737133-G-A.
Other names: c.37C>T, p.Arg13Cys (NM_001320705.2, NM_001330289.2, NM_001330290.2 and 20 more transcripts); c.37C>T (NM_001244008.1, NM_004321.5); short protein forms R13C.
Identifiers: ClinVar variation 426934 (VCV000426934.54), dbSNP rs1064794935, ClinGen allele CA351315932.
Genomic context (GRCh38, chr2:240,797,716, plus strand): 5'-TTCCAGACATCTGAATGATGCACTTGGAGTCACGGCTCATTTCCCGGGAATTGAAGGGGC[G>A]GACCCGCACCGCCACCTTCACCGAAGCCCCGGCCATCTCTGTGGCCTTCGTGGGTCACTC-3'
Protein context (NP_001230937.1, residues 3-23): GASVKVAVRV[Arg13Cys]PFNSREMSRD

ClinVar aggregate classification (germline): Pathogenic/Likely pathogenic. Review status: criteria provided, multiple submitters, no conflicts (2 of 4 stars). 9 submissions from 9 submitters: Pathogenic (7); Likely pathogenic (1). 1 of the submissions does not count toward it. Last evaluated 2025-11-10.

Conditions:
KIF1A related neurological disorder. Identifiers: MedGen CN312623, MONDO:0700055.
Hereditary spastic paraplegia 30. Identifiers: Orphanet 101010, MedGen C5235139, MONDO:0012476.
Neuropathy, hereditary sensory, type 2C. Also called: Hereditary sensory and autonomic neuropathy type IIC; KIF1A-Related HSAN2 (HSAN2C). Identifiers: Orphanet 970, MedGen C3280168, MONDO:0013634, OMIM 614213.
Intellectual disability, autosomal dominant 9 (NESCAVS). Also called: KIF1A-Related Neurodevelopmental Disorder; NESCAV SYNDROME. Identifiers: Orphanet 662367, MedGen C5393830, MONDO:0013656, OMIM 614255.
Inborn genetic diseases. Identifiers: MedGen C0950123, MeSH D030342.

Submissions (9):

Labcorp Genetics (formerly Invitae), Labcorp
Classification: Pathogenic for Hereditary spastic paraplegia 30; Neuropathy, hereditary sensory, type 2C; Intellectual disability, autosomal dominant 9. Last evaluated: 2025-11-10. Review status: criteria provided, single submitter. Criteria: Invitae Variant Classification Sherloc (09022015). Collection method: clinical testing. Allele origin: germline.
Comment: This sequence change replaces arginine, which is basic and polar, with cysteine, which is neutral and slightly polar, at codon 13 of the KIF1A protein (p.Arg13Cys). This variant is not present in population databases (gnomAD no frequency). This missense change has been observed in individual(s) with autosomal dominant hereditary spastic paraplegia (PMID: 31813911; internal data). In at least one individual the variant was observed to be de novo. ClinVar contains an entry for this variant (Variation ID: 426934). Invitae Evidence Modeling of protein sequence and biophysical properties (such as structural, functional, and spatial information, amino acid conservation, physicochemical variation, residue mobility, and thermodynamic stability) indicates that this missense variant is expected to disrupt KIF1A protein function with a positive predictive value of 95%. This variant disrupts the p.Arg13 amino acid residue in KIF1A. Other variant(s) that disrupt this residue have been determined to be pathogenic (PMID: 28834584). This suggests that this residue is clinically significant, and that variants that disrupt this residue are likely to be disease-causing. For these reasons, this variant has been classified as Pathogenic.

Ambry Genetics
Classification: Pathogenic for Inborn genetic diseases. Last evaluated: 2025-10-27. Review status: criteria provided, single submitter. Criteria: Ambry Variant Classification Scheme 2023. Collection method: clinical testing. Allele origin: germline.
Comment: The c.37C>T (p.R13C) alteration is located in exon 2 (coding exon 1) of the KIF1A gene. This alteration results from a C to T substitution at nucleotide position 37, causing the arginine (R) at amino acid position 13 to be replaced by a cysteine (C). for autosomal dominant KIF1A-related neuronal disorder; however, its clinical significance for autosomal recessive KIF1A-related spastic paraplegia is uncertain. This variant was not reported in population-based cohorts in the Genome Aggregation Database (gnomAD). This variant was reported in individual(s) with features consistent with KIF1A-related neuronal disorder; in at least one individual, it was determined to be de novo (Kurihara, 2019; Rudenskaya, 2020; Valentino, 2021). Other variant(s) at the same codon, c.38G>A (p.R13H), have been identified in individual(s) with features consistent with KIF1A-related neuronal disorder (Tomaselli, 2017). This amino acid position is highly conserved in available vertebrate species. This missense alteration is located in a region that has a low rate of benign missense variation (Lek, 2016; Firth, 2009). This alteration is predicted to be deleterious by in silico analysis. Based on the available evidence, this alteration is classified as pathogenic.

Dasa
Classification: Pathogenic. Last evaluated: 2025-09-25. Review status: criteria provided, single submitter. Criteria: DASA Assertion Criteria. Collection method: clinical testing. Allele origin: germline.
Comment: NM_001244008.2(KIF1A):c.37C>T (p.Arg13Cys) is a missense variant that results in the substitution of arginine with cysteine. The affected residue or protein region has prior evidence supporting clinical relevance. De novo occurrence has been reported in an individual with related phenotype. This variant has been recurrently observed in individuals with related phenotype (PMID: 38785164; PMID: 34356170; PMID: 28834584; PMID: 31813911). Multiple computational predictions support a deleterious effect on the gene or gene product. The variant is present at low frequency in population datasets. Based on the available data, this variant is classified as pathogenic.

3billion
Classification: Pathogenic for Spastic paraplegia 30A, autosomal dominant. Last evaluated: 2024-03-14. Review status: criteria provided, single submitter. Criteria: ACMG Guidelines, 2015. Collection method: clinical testing. Allele origin: germline. Affected: yes.
Comment: The variant is not observed in the gnomAD v2.1.1 dataset. Predicted Consequence/Location: The variant is located in a mutational hot spot and/or well-established functional domain in which established pathogenic variants have been reported (PMID: 31488895). In silico tool predictions suggest damaging effect of the variant on gene or gene product [REVEL: 0.96 (>=0.6, sensitivity 0.68 and specificity 0.92); 3Cnet: 0.99 (>=0.6, sensitivity 0.72 and precision 0.9)]. Same nucleotide change resulting in same amino acid change has been previously reported as pathogenic/likely pathogenic with strong evidence (ClinVar ID: VCV000426934 /PMID: 31813911). The variant has been previously reported as de novo in a similarly affected individual (PMID: 31813911). Different missense changes at the same codon (p.Arg13His, p.Arg13Leu, p.Arg13Ser) have been reported as pathogenic/likely pathogenic with strong evidence (ClinVar ID: VCV000209165, VCV000421138, VCV000977818 /PMID: 28834584, 32935419). Therefore, this variant is classified as Pathogenic according to the recommendation of ACMG/AMP guideline.

Victorian Clinical Genetics Services, Murdoch Childrens Research Institute
Classification: Pathogenic for KIF1A related neurological disorder. Last evaluated: 2023-07-17. Review status: criteria provided, single submitter. Criteria: ACMG Guidelines, 2015. Collection method: clinical testing. Allele origin: germline. Inheritance: Autosomal dominant inheritance. Affected: yes.
Comment: Based on the classification scheme VCGS_Germline_v1.3.4, this variant is classified as Pathogenic. Following criteria are met: 0103 - Dominant negative, loss of function and gain of function are known mechanisms of disease in this gene. Dominant negative has been shown to cause NESCAV syndrome (MIM#614255; OMIM). Both loss and gain of function mechanisms have been reported for variants causing spastic paraplegia 30 (MIM#610357, MIM#610357) and hereditary sensory and autonomic neuropathy type 2 (HSAN2; MIM#614213) (PMIDs: 31488895, 31455732). (I) 0108 - This gene is known to be associated with both recessive and dominant disease. Genotype-phenotype correlation is currently unestablished. Missense variants tend to cluster within the kinesin motor domain and have been reported for both SPG30 and NESCAV syndrome. Only the correlation for HSAN2 (MIM#614213) is established with all patients except for one, carrying null variants outside the motor domain (PMID: 32737135). (I) 0200 - Variant is predicted to result in a missense amino acid change from arginine to cysteine. (I) 0251 - This variant is heterozygous. (I) 0301 - Variant is absent from gnomAD (both v2 and v3). (SP) 0501 - Missense variant consistently predicted to be damaging by multiple in silico tools or highly conserved with a major amino acid change. (SP) 0600 - Variant is located in the annotated kinesin motor domain (DECIPHER). (I) 0702 - Other missense variants comparable to the one identified in this case have strong previous evidence for pathogenicity. Three alternative amino acid substitutions at the same position, p.(Arg13Leu), p.(Arg13Ser) and p.(Arg13His), have been classified as pathogenic or likely pathogenic by clinical laboratories in ClinVar. (SP) 0801 - This variant has strong previous evidence of pathogenicity in unrelated individuals. This variant has been classified as pathogenic or likely pathogenic by clinical laboratories in ClinVar, and has been observed in several individuals with spastic paraplegia including some de novo occurrences (PMIDs: 31813911, 32746806, 34487232). (SP) Legend: (SP) - Supporting pathogenic, (I) - Information, (SB) - Supporting benign

Equipe Genetique des Anomalies du Developpement, Université de Bourgogne
Classification: Pathogenic for Intellectual disability, autosomal dominant 9; Spastic paraplegia 30A, autosomal dominant. Last evaluated: 2023-04-14. Review status: criteria provided, single submitter. Criteria: ACMG Guidelines, 2015. Collection method: clinical testing. Allele origin: de novo.

GeneDx
Classification: Pathogenic. Last evaluated: 2023-02-05. Review status: criteria provided, single submitter. Criteria: GeneDx Variant Classification Process June 2021. Collection method: clinical testing. Allele origin: germline. Affected: yes.
Comment: In silico analysis supports that this missense variant has a deleterious effect on protein structure/function; Not observed at significant frequency in large population cohorts (gnomAD); This variant is associated with the following publications: (PMID: 34469436, 34356170, 33880452, Nair_2023_Review, 36252719, 26125038, 21376300, 21820098, 35586607, 32746806, 32935419, 31813911, 28834584)

CeGaT Center for Human Genetics Tuebingen
Classification: Likely pathogenic. Last evaluated: 2022-05-01. Review status: criteria provided, single submitter. Criteria: CeGaT Center For Human Genetics Tuebingen Variant Classification Criteria Version 2. Collection method: clinical testing. Allele origin: germline. Affected: yes. Observed: 1 variant allele.
Comment: KIF1A: PM2, PM5, PM6:Supporting, PP2, PP3, PP4, PS4:Supporting

DECIPHER, Wellcome Sanger Institute
No classification provided. Review status: no classification provided. Collection method: research. Allele origin: de novo. Affected: yes. Observed: 1 heterozygote. Not counted in ClinVar's aggregate classification.

Literature cited by the submitters: PubMed 31813911 (cited by 6 submitters); PubMed 28834584 (cited by 4 submitters); PubMed 32746806 (cited by Ambry Genetics and Victorian Clinical Genetics Services, Murdoch Childrens Research Institute); PubMed 32935419 (cited by Ambry Genetics); PubMed 33880452 (cited by Ambry Genetics); PubMed 34356170 (cited by 3 submitters); PubMed 34469436 (cited by Ambry Genetics); PubMed 34487232 (cited by Ambry Genetics and Victorian Clinical Genetics Services, Murdoch Childrens Research Institute); PubMed 38785164 (cited by Dasa); PubMed 31488895 (cited by 3billion and Victorian Clinical Genetics Services, Murdoch Childrens Research Institute); PubMed 31455732 (cited by Victorian Clinical Genetics Services, Murdoch Childrens Research Institute); PubMed 32737135 (cited by Victorian Clinical Genetics Services, Murdoch Childrens Research Institute).